The following is an entry in ClinVar:

NM_003001.5(SDHC):c.290A>T (p.Glu97Val)

Gene: SDHC (succinate dehydrogenase complex subunit C; plus strand). Cytogenetic location: 1q23.3.
Variant type: single nucleotide variant.
Coding change: c.290A>T on transcript NM_003001.5 (MANE Select); coding-DNA position 290, A replaced by T.
Protein change: p.Glu97Val; replaces glutamic acid 97 with valine.
Molecular consequence: missense variant. On other transcripts: non-coding transcript variant (1), intron variant (3).
Genome position (GRCh38, 1-based): chr1:161,356,725, A>T. VCF-style: chr1-161356725-A-T. GRCh37 (hg19) VCF-style: chr1-161326515-A-T.
Other names: c.182A>T, p.Glu61Val (NM_001407118.1); c.179A>T, p.Glu60Val (NM_001407119.1, NM_001407120.1); c.242-5604A>T (NM_001035511.3); c.140-5604A>T (NM_001278172.3); c.185-5604A>T (NM_001407121.1); c.188A>T, p.Glu63Val (NM_001035512.3); c.131A>T, p.Glu44Val (NM_001035513.3); c.410A>T, p.Glu137Val (NM_001407115.1); and 2 more; short protein forms E137V, E44V, E78V, E61V, E60V, E63V, E76V, E97V.
Identifiers: ClinVar variation 5029319 (VCV005029319.1).

ClinVar aggregate classification (germline): Uncertain significance (1 of 4 stars; one submission).

Conditions:
Hereditary cancer-predisposing syndrome. Also called: Neoplastic Syndromes, Hereditary; Tumor predisposition; Hereditary neoplastic syndrome; Hereditary Cancer Syndrome. Identifiers: Orphanet 140162, MedGen C0027672, MeSH D009386, MONDO:0015356.

gnomAD v4.1: 1 of 1,613,514 alleles (0.000062%); highest among the groups gnomAD compares: Non-Finnish European, 0.000085%; no homozygotes.

Submission:

Ambry Genetics
Classification: Uncertain significance for Hereditary cancer-predisposing syndrome. Last evaluated: 2026-07-06. Review status: criteria provided, single submitter. Criteria: Ambry Variant Classification Scheme 2023. Collection method: clinical testing. Allele origin: germline.
Comment: The p.E97V variant (also known as c.290A>T), located in coding exon 5 of the SDHC gene, results from an A to T substitution at nucleotide position 290. The glutamic acid at codon 97 is replaced by valine, an amino acid with dissimilar properties. This amino acid position is conserved. In addition, this alteration is predicted to be deleterious by in silico analysis. Based on the available evidence, the clinical significance of this variant remains unclear.